The following is an entry in ClinVar:

NM_152703.5(SAMD9L):c.2226T>A (p.His742Gln)

Gene: SAMD9L (sterile alpha motif domain containing 9 like; minus strand). Cytogenetic location: 7q21.2.
Variant type: single nucleotide variant.
Coding change: c.2226T>A on transcript NM_152703.5 (MANE Select); coding-DNA position 2226, T replaced by A.
Protein change: p.His742Gln; replaces histidine 742 with glutamine.
Molecular consequence: missense variant.
Genome position (GRCh38, 1-based): chr7:93,133,746, A>T on the plus strand (T>A on the coding strand, the complement: SAMD9L is on the minus strand). VCF-style: chr7-93133746-A-T. GRCh37 (hg19) VCF-style: chr7-92763059-A-T.
Other names: c.2226T>A, p.His742Gln (NM_001303496.3, NM_001303497.3, NM_001303498.3 and 5 more transcripts); short protein forms H742Q.
Identifiers: ClinVar variation 4159315 (VCV004159315.1).

ClinVar aggregate classification (germline): Uncertain significance (1 of 4 stars; one submission).

Conditions:
Inborn genetic diseases. Identifiers: MedGen C0950123, MeSH D030342.

gnomAD v4.1: 8 of 1,613,826 alleles (0.0005%); highest among the groups gnomAD compares: Non-Finnish European, 0.00068%; no homozygotes.

Submission:

Ambry Genetics
Classification: Uncertain significance for Inborn genetic diseases. Last evaluated: 2025-07-10. Review status: criteria provided, single submitter. Criteria: Ambry Variant Classification Scheme 2023. Collection method: clinical testing. Allele origin: germline.
Comment: The p.H742Q variant (also known as c.2226T>A), located in coding exon 1 of the SAMD9L gene, results from a T to A substitution at nucleotide position 2226. The histidine at codon 742 is replaced by glutamine, an amino acid with highly similar properties. This amino acid position is conserved. In addition, the in silico prediction for this alteration is inconclusive. Based on the available evidence, the clinical significance of this variant remains unclear.